The following is an entry in ClinVar:

NM_000264.5(PTCH1):c.4116G>T (p.Thr1372=)

Gene: PTCH1 (patched 1; minus strand). Cytogenetic location: 9q22.32.
Variant type: single nucleotide variant.
Coding change: c.4116G>T on transcript NM_000264.5 (MANE Select); coding-DNA position 4116, G replaced by T.
Protein change: p.Thr1372=; no amino-acid change (threonine 1372 retained).
Molecular consequence: synonymous variant. On other transcripts: non-coding transcript variant (1).
Genome position (GRCh38, 1-based): chr9:95,447,140, C>A on the plus strand (G>T on the coding strand, the complement: PTCH1 is on the minus strand). VCF-style: chr9-95447140-C-A. GRCh37 (hg19) VCF-style: chr9-98209422-C-A.
Other names: c.3918G>T, p.Thr1306= (NM_001083602.3); c.4113G>T, p.Thr1371= (NM_001083603.3); c.3663G>T, p.Thr1221= (NM_001083604.3, NM_001083605.3, NM_001083606.3 and 1 more transcripts); c.3960G>T, p.Thr1320= (NM_001354918.2).
Identifiers: ClinVar variation 219907 (VCV000219907.40), dbSNP rs776937004, ClinGen allele CA350353.

ClinVar aggregate classification (germline): Likely benign. Review status: criteria provided, multiple submitters, no conflicts (2 of 4 stars). 5 submissions from 5 submitters: Likely benign (5). Last evaluated 2025-12-09.

Conditions:
Hereditary cancer-predisposing syndrome. Also called: Neoplastic Syndromes, Hereditary; Hereditary Cancer Syndrome; Tumor predisposition; Hereditary neoplastic syndrome. Identifiers: Orphanet 140162, MedGen C0027672, MeSH D009386, MONDO:0015356.
Gorlin syndrome. Also called: Nevoid Basal Cell Carcinoma Syndrome; Basal cell nevus syndrome. Identifiers: Orphanet 377, MedGen C0004779, MONDO:0007187.

Allele frequency attached by ClinVar (database versions not stated): TOPMed 0.00004.
gnomAD v4.1: 8 of 1,613,158 alleles (0.0005%); highest among the groups gnomAD compares: African/African-American, 0.0067%; no homozygotes.

Submissions (5):

Labcorp Genetics (formerly Invitae), Labcorp
Classification: Likely benign for Gorlin syndrome. Last evaluated: 2025-12-09. Review status: criteria provided, single submitter. Criteria: Invitae Variant Classification Sherloc (09022015). Collection method: clinical testing. Allele origin: germline.

CeGaT Center for Human Genetics Tuebingen
Classification: Likely benign. Last evaluated: 2025-12-01. Review status: criteria provided, single submitter. Criteria: CeGaT Center For Human Genetics Tuebingen Variant Classification Criteria Version 2. Collection method: clinical testing. Allele origin: germline. Affected: yes. Observed: 2 variant alleles.
Comment: PTCH1: BP4, BP7

Blueprint Genetics
Classification: Likely benign. Last evaluated: 2024-03-15. Review status: criteria provided, single submitter. Criteria: ACMG Guidelines, 2015. Collection method: clinical testing. Allele origin: germline.

Sema4
Classification: Likely benign for Hereditary cancer-predisposing syndrome. Last evaluated: 2022-02-13. Review status: criteria provided, single submitter. Criteria: Sema4 Curation Guidelines. Collection method: curation. Allele origin: germline.

Ambry Genetics
Classification: Likely benign for Hereditary cancer-predisposing syndrome. Last evaluated: 2021-11-24. Review status: criteria provided, single submitter. Criteria: Ambry Variant Classification Scheme 2023. Collection method: clinical testing. Allele origin: germline.